The following is an entry in ClinVar:

ClinVar aggregate classification (germline): Uncertain significance (0 of 4 stars; one submission).

Conditions:
PCNT-related disorder. Also called: PCNT-related condition.

Allele frequency attached by ClinVar (database versions not stated): gnomAD 0.00001; TOPMed 0.00002; ExAC 0.00003.
gnomAD v4.1: 9 of 1,607,436 alleles (0.00056%); highest among the groups gnomAD compares: African/African-American, 0.004%; no homozygotes.

Submission:

PreventionGenetics, part of Exact Sciences
Classification: Uncertain significance for PCNT-related condition. Last evaluated: 2024-05-09. Review status: no assertion criteria provided. Collection method: clinical testing. Allele origin: germline.
Comment: The PCNT c.859C>T variant is predicted to result in the amino acid substitution p.Arg287Trp. To our knowledge, this variant has not been reported in the literature. This variant is reported in 0.0069% of alleles in individuals of African descent in gnomAD. At this time, the clinical significance of this variant is uncertain due to the absence of conclusive functional and genetic evidence.

NM_006031.6(PCNT):c.859C>T (p.Arg287Trp)

Gene: PCNT (pericentrin; plus strand). Cytogenetic location: 21q22.3.
Variant type: single nucleotide variant.
Coding change: c.859C>T on transcript NM_006031.6 (MANE Select); coding-DNA position 859, C replaced by T.
Protein change: p.Arg287Trp; replaces arginine 287 with tryptophan.
Molecular consequence: missense variant.
Genome position (GRCh38, 1-based): chr21:46,346,881, C>T. VCF-style: chr21-46346881-C-T. GRCh37 (hg19) VCF-style: chr21-47766795-C-T.
Other names: c.505C>T, p.Arg169Trp (NM_001315529.2); short protein forms R169W, R287W.
Identifiers: ClinVar variation 2634450 (VCV002634450.2), dbSNP rs746834511, ClinGen allele CA10078429.